The following is an entry in ClinVar:

NM_001754.5(RUNX1):c.355G>A (p.Val119Met)

Genes: RUNX1 (RUNX family transcription factor 1; minus strand), RUNX1-AS1 (RUNX1 antisense RNA 1; plus strand). Cytogenetic location: 21q22.12.
Variant type: single nucleotide variant.
Coding change: c.355G>A on transcript NM_001754.5 (MANE Select); coding-DNA position 355, G replaced by A.
Protein change: p.Val119Met; replaces valine 119 with methionine.
Molecular consequence: missense variant.
Genome position (GRCh38, 1-based): chr21:34,880,710, C>T on the plus strand (G>A on the coding strand, the complement: RUNX1 is on the minus strand). VCF-style: chr21-34880710-C-T. GRCh37 (hg19) VCF-style: chr21-36253007-C-T.
Other names: NM_001754.5(RUNX1):c.355G>A; p.Val119Met; c.355G>A (NM_001754.4); c.274G>A, p.Val92Met (NM_001001890.3, NM_001122607.2); short protein forms V119M, V92M.
Identifiers: ClinVar variation 1064169 (VCV001064169.12), dbSNP rs2057890159, ClinGen allele CA410202786.

ClinVar aggregate classification (germline): Uncertain significance. Review status: reviewed by expert panel (3 of 4 stars). 4 submissions from 4 submitters: Uncertain significance (1). 3 of the submissions do not count toward it. Last evaluated 2024-09-18.

Conditions:
Inborn genetic diseases. Identifiers: MedGen C0950123, MeSH D030342.
Hereditary thrombocytopenia and hematologic cancer predisposition syndrome. Identifiers: Orphanet 71290, MedGen CN281654, MONDO:0011071.
Hereditary thrombocytopenia and hematological cancer predisposition syndrome associated with RUNX1. Also called: PLATELET DISORDER, ASPIRIN-LIKE; Familial Platelet Disorder with Propensity to Acute Myelogenous Leukemia; Familial thrombocytopenia with propensity to acute myelogenous leukemia; RUNX1 Familial Platelet Disorder with Associated Myeloid Malignancies. Identifiers: Orphanet 71290, MedGen C1832388, MeSH C563324, MONDO:0100083, OMIM 601399.

Allele frequency attached by ClinVar (database versions not stated): gnomAD exomes below 0.00001.
gnomAD v4.1: 1 of 1,614,048 alleles (0.000062%); highest among the groups gnomAD compares: South Asian, 0.0011%; no homozygotes.

Submissions (4):

ClinGen Myeloid Malignancy Variant Curation Expert Panel
Classification: Uncertain significance for Hereditary thrombocytopenia and hematologic cancer predisposition syndrome. Last evaluated: 2024-09-18. Review status: reviewed by expert panel. Criteria: ClinGen MyeloMalig ACMG Specifications v2. Collection method: curation. Allele origin: germline. Inheritance: Autosomal dominant inheritance.
Comment: NM_001754.5(RUNX1):c.355G>A (p.Val119Met) is a missense variant which has a REVEL score ≥ 0.88 (0.936) (PP3). This variant affects a codon within the Runt Homology domain (AA 89-204) but does not occur within an established hotspot residue (PM1_Supporting). This variant is completely absent from all population databases with at least 20x coverage for RUNX1 (PM2_Supporting). In summary, the clinical significance of this variant is uncertain. ACMG/AMP criteria applied, as specified by the Myeloid Malignancy Variant Curation Expert Panel for RUNX1: PP3, PM1_supporting, PM2_supporting.

Ambry Genetics
Classification: Uncertain significance for Inborn genetic diseases. Last evaluated: 2025-12-09. Review status: criteria provided, single submitter. Criteria: Ambry Variant Classification Scheme 2023. Collection method: clinical testing. Allele origin: germline. Not counted in ClinVar's aggregate classification.

Revvity Omics, Revvity
Classification: Uncertain significance. Last evaluated: 2024-01-30. Review status: criteria provided, single submitter. Criteria: ACMG Guidelines, 2015. Collection method: clinical testing. Allele origin: germline. Not counted in ClinVar's aggregate classification.

Labcorp Genetics (formerly Invitae), Labcorp
Classification: Uncertain significance for Hereditary thrombocytopenia and hematological cancer predisposition syndrome associated with RUNX1. Last evaluated: 2020-06-01. Review status: criteria provided, single submitter. Criteria: Invitae Variant Classification Sherloc (09022015). Collection method: clinical testing. Allele origin: germline. Not counted in ClinVar's aggregate classification.
Comment: In summary, the available evidence is currently insufficient to determine the role of this variant in disease. Therefore, it has been classified as a Variant of Uncertain Significance. Algorithms developed to predict the effect of missense changes on protein structure and function are either unavailable or do not agree on the potential impact of this missense change (SIFT: "Deleterious"; PolyPhen-2: "Probably Damaging"; Align-GVGD: "Class C0"). This variant has not been reported in the literature in individuals with RUNX1-related conditions. This variant is not present in population databases (ExAC no frequency). This sequence change replaces valine with methionine at codon 119 of the RUNX1 protein (p.Val119Met). The valine residue is highly conserved and there is a small physicochemical difference between valine and methionine.